The following is an entry in ClinVar:

NM_000535.7(PMS2):c.2385_2386dup (p.Val796fs)

Gene: PMS2 (PMS1 homolog 2, mismatch repair system component; minus strand). Cytogenetic location: 7p22.1.
Variant type: Duplication.
Coding change: c.2385_2386dup on transcript NM_000535.7 (MANE Select); coding-DNA positions 2385 to 2386, 2 bases duplicated (GG; older notation c.2385_2386dupGG).
Protein change: p.Val796fs; shifts the reading frame from valine 796.
Molecular consequence: frameshift variant. On other transcripts: non-coding transcript variant (1).
Genome position (GRCh38, 1-based): chr7:5,977,647-5,977,648, CC duplicated on the plus strand (GG on the coding strand, the reverse complement: PMS2 is on the minus strand); duplicating any 2 consecutive bases within chr7:5,977,647-5,977,650 gives the same sequence; the c. name uses the placement nearest the transcript's 3' end. VCF-style (leftmost placement, unchanged base first): chr7-5977646-A-ACC. GRCh37 (hg19) VCF-style: chr7-6017277-A-ACC.
Other names: c.2074_2075dup, p.Val693Glyfs (NM_001406882.1, NM_001406877.1, NM_001406878.1 and 3 more transcripts); c.2065_2066dup, p.Val690Glyfs (NM_001406883.1); c.1978_1979dup, p.Val661Glyfs (NM_001406889.1, NM_001018040.1, NM_001406890.1 and 9 more transcripts); c.2059_2060dup, p.Val688Glyfs (NM_001406884.1); c.2017_2018dup, p.Val674Glyfs (NM_001406886.1); c.2011_2012dup, p.Val672Glyfs (NM_001406888.1, NM_001406887.1); c.2047_2048dup, p.Val684Glyfs (NM_001406885.1); c.1980_1981dup, p.Val661fs (NM_001322003.2, NM_001322004.2, NM_001322005.2); and 27 more; short protein forms V672fs, V690fs, V485fs, V609fs, V796fs, V605fs, V661fs, V744fs.
Identifiers: ClinVar variation 1790477 (VCV001790477.2), dbSNP rs753030033, ClinGen allele CA2580076793.

ClinVar aggregate classification (germline): Pathogenic (1 of 4 stars; one submission).

Conditions:
Hereditary cancer-predisposing syndrome. Also called: Hereditary Cancer Syndrome; Hereditary neoplastic syndrome; Tumor predisposition; Neoplastic Syndromes, Hereditary. Identifiers: Orphanet 140162, MedGen C0027672, MeSH D009386, MONDO:0015356.

Submission:

Ambry Genetics
Classification: Pathogenic for Hereditary cancer-predisposing syndrome. Last evaluated: 2021-10-29. Review status: criteria provided, single submitter. Criteria: Ambry Variant Classification Scheme 2023. Collection method: clinical testing. Allele origin: germline.
Comment: The c.2385_2386dupGG pathogenic mutation, located in coding exon 14 of the PMS2 gene, results from a duplication of GG at nucleotide position 2385, causing a translational frameshift with a predicted alternate stop codon (p.V796Gfs*22). This alteration occurs at the 3' terminus of thePMS2 gene, is not expected to trigger nonsense-mediated mRNA decay, and only impacts the last 66 amino acids of the protein. However, premature stop codons are typically deleterious in nature and the impacted region is critical for protein function (Ambry internal data). Based on the supporting evidence, this alteration is interpreted as a disease-causing mutation.